The following is an entry in ClinVar:

NM_001852.4(COL9A2):c.662A>G (p.Glu221Gly)

Gene: COL9A2 (collagen type IX alpha 2 chain; minus strand). Cytogenetic location: 1p34.2.
Variant type: single nucleotide variant.
Coding change: c.662A>G on transcript NM_001852.4 (MANE Select); coding-DNA position 662, A replaced by G.
Protein change: p.Glu221Gly; replaces glutamic acid 221 with glycine.
Molecular consequence: missense variant.
Genome position (GRCh38, 1-based): chr1:40,310,736, T>C on the plus strand (A>G on the coding strand, the complement: COL9A2 is on the minus strand). VCF-style: chr1-40310736-T-C. GRCh37 (hg19) VCF-style: chr1-40776408-T-C.
Other names: short protein forms E221G.
Identifiers: ClinVar variation 2786468 (VCV002786468.3), dbSNP rs763686661, ClinGen allele CA791816.

ClinVar aggregate classification (germline): Uncertain significance (1 of 4 stars; one submission).

Allele frequency attached by ClinVar (database versions not stated): gnomAD exomes below 0.00001; gnomAD 0.00001; TOPMed 0.00001; ExAC 0.00004.
gnomAD v4.1: 2 of 1,565,350 alleles (0.00013%); highest among the groups gnomAD compares: Non-Finnish European, 0.00017%; no homozygotes.

Submission:

Labcorp Genetics (formerly Invitae), Labcorp
Classification: Uncertain significance. Last evaluated: 2023-08-16. Review status: criteria provided, single submitter. Criteria: Invitae Variant Classification Sherloc (09022015). Collection method: clinical testing. Allele origin: germline.
Comment: In summary, the available evidence is currently insufficient to determine the role of this variant in disease. Therefore, it has been classified as a Variant of Uncertain Significance. Advanced modeling of protein sequence and biophysical properties (such as structural, functional, and spatial information, amino acid conservation, physicochemical variation, residue mobility, and thermodynamic stability) performed at Invitae indicates that this missense variant is not expected to disrupt COL9A2 protein function. This variant has not been reported in the literature in individuals affected with COL9A2-related conditions. The frequency data for this variant in the population databases is considered unreliable, as metrics indicate poor data quality at this position in the gnomAD database. This sequence change replaces glutamic acid, which is acidic and polar, with glycine, which is neutral and non-polar, at codon 221 of the COL9A2 protein (p.Glu221Gly).